The following is an entry in ClinVar:

NM_000179.3(MSH6):c.3930_3970dup (p.Glu1324fs)

Gene: MSH6 (mutS homolog 6; plus strand). Cytogenetic location: 2p16.3.
Variant type: Duplication.
Coding change: c.3930_3970dup on transcript NM_000179.3 (MANE Select); coding-DNA positions 3930 to 3970, 41 bases duplicated.
Protein change: p.Glu1324fs; shifts the reading frame from glutamic acid 1324.
Molecular consequence: frameshift variant.
Genome position (GRCh38, 1-based): chr2:47,806,580-47,806,620, 41 bases duplicated. GRCh37 (hg19): chr2:48,033,719-48,033,759.
Other names: c.3930_3970dup41 (NM_000179.2); c.3540_3580dup, p.Glu1194fs (NM_001281492.2); c.3024_3064dup, p.Glu1022fs (NM_001281493.2, NM_001281494.2); short protein forms E1324fs, E1194fs, E1022fs.
Identifiers: ClinVar variation 237202 (VCV000237202.15), dbSNP rs878853742, ClinGen allele CA10582093.

ClinVar aggregate classification (germline): Pathogenic/Likely pathogenic. Review status: criteria provided, multiple submitters, no conflicts (2 of 4 stars). 4 submissions from 4 submitters: Pathogenic (2); Likely pathogenic (2). Last evaluated 2025-12-09.

Conditions:
Hereditary nonpolyposis colorectal neoplasms. Identifiers: MedGen C0009405, MeSH D003123.
Hereditary cancer-predisposing syndrome. Also called: Neoplastic Syndromes, Hereditary; Hereditary neoplastic syndrome; Tumor predisposition; Hereditary Cancer Syndrome. Identifiers: Orphanet 140162, MedGen C0027672, MeSH D009386, MONDO:0015356.
Lynch syndrome 5 (LYNCH5). Also called: Hereditary non-polyposis colorectal cancer, type 5; Colorectal cancer, hereditary nonpolyposis, type 5. Identifiers: Orphanet 144, MedGen C1833477, MONDO:0013710, OMIM 614350. Disease mechanism: loss of function.

Submissions (4):

Labcorp Genetics (formerly Invitae), Labcorp
Classification: Pathogenic for Hereditary nonpolyposis colorectal neoplasms. Last evaluated: 2025-12-09. Review status: criteria provided, single submitter. Criteria: Invitae Variant Classification Sherloc (09022015). Collection method: clinical testing. Allele origin: germline.
Comment: This sequence change creates a premature translational stop signal (p.Glu1324Glyfs*17) in the MSH6 gene. While this is not anticipated to result in nonsense mediated decay, it is expected to disrupt the last 37 amino acid(s) of the MSH6 protein. This variant is not present in population databases (gnomAD no frequency). This variant has not been reported in the literature in individuals affected with MSH6-related conditions. ClinVar contains an entry for this variant (Variation ID: 237202). Experimental studies and prediction algorithms are not available or were not evaluated, and the functional significance of this variant is currently unknown. This variant disrupts a region of the MSH6 protein in which other variant(s) (p.Leu1330Valfs*12) have been determined to be pathogenic (PMID: 14520694, 15236168, 16237223, 19851887, 21155762). This suggests that this is a clinically significant region of the protein, and that variants that disrupt it are likely to be disease-causing. For these reasons, this variant has been classified as Pathogenic.

Quest Diagnostics Nichols Institute San Juan Capistrano
Classification: Likely pathogenic. Last evaluated: 2025-03-07. Review status: criteria provided, single submitter. Criteria: Quest Diagnostics criteria. Collection method: clinical testing. Allele origin: unknown.
Comment: The MSH6 c.3930_3970dup (p.Glu1324Glyfs*17) variant creates a premature stop codon near the C-terminal region of the MSH6 gene. Although this is not expected to trigger nonsense-mediated mRNA decay, this variant disrupts the translation of the protein region important for its structure or function. This variant has not been reported in individuals with MSH6-related conditions in the published literature. This variant also has not been reported in large, multi-ethnic general populations (Genome Aggregation Database). Based on the available information, this variant is classified as likely pathogenic.

Ambry Genetics
Classification: Pathogenic for Hereditary cancer-predisposing syndrome. Last evaluated: 2023-12-08. Review status: criteria provided, single submitter. Criteria: Ambry Variant Classification Scheme 2023. Collection method: clinical testing. Allele origin: germline.
Comment: The c.3930_3970dup41 variant, located in coding exon 9 of the MSH6 gene, results from a duplication of 41 nucleotides at positions 3930 to 3970, causing a translational frameshift with a predicted alternate stop codon (p.E1324Gfs*17). This alteration occurs at the 3' terminus of theMSH6 gene, is not expected to trigger nonsense-mediated mRNA decay, and only impacts the last 2.4% of the protein. However, premature stop codons are typically deleterious in nature and the impacted region is critical for protein function (Ambry internal data). This variant is considered to be rare based on population cohorts in the Genome Aggregation Database (gnomAD). Based on the majority of available evidence to date, this variant is likely to be pathogenic.

Myriad Genetics, Inc.
Classification: Likely pathogenic for Lynch syndrome 5. Last evaluated: 2023-08-28. Review status: criteria provided, single submitter. Criteria: Myriad Autosomal Dominant, Autosomal Recessive and X-Linked Classification Criteria (2023). Collection method: clinical testing. Allele origin: unknown.
Comment: This variant is considered likely pathogenic. This variant creates a frameshift predicted to result in premature protein truncation.

Literature cited by the submitters: PubMed 14520694 (cited by Labcorp Genetics (formerly Invitae), Labcorp); PubMed 15236168 (cited by Labcorp Genetics (formerly Invitae), Labcorp); PubMed 16237223 (cited by Labcorp Genetics (formerly Invitae), Labcorp); PubMed 19851887 (cited by Labcorp Genetics (formerly Invitae), Labcorp); PubMed 21155762 (cited by Labcorp Genetics (formerly Invitae), Labcorp).